The following is an entry in ClinVar:

NM_172107.4(KCNQ2):c.927+3A>T

Gene: KCNQ2 (potassium voltage-gated channel subfamily Q member 2; minus strand). Cytogenetic location: 20q13.33.
Variant type: single nucleotide variant.
Coding change: c.927+3A>T on transcript NM_172107.4 (MANE Select); 3 bases into the intron after coding-DNA position 927, A replaced by T.
Molecular consequence: intron variant.
Genome position (GRCh38, 1-based): chr20:63,439,595, T>A on the plus strand (A>T on the coding strand, the complement: KCNQ2 is on the minus strand). VCF-style: chr20-63439595-T-A. GRCh37 (hg19) VCF-style: chr20-62070948-T-A.
Other names: c.927+3A>T (NM_001439004.1, NM_004518.6, NM_172108.5 and 4 more transcripts).
Identifiers: ClinVar variation 4712314 (VCV004712314.1).

ClinVar aggregate classification (germline): Uncertain significance (1 of 4 stars; one submission).

Conditions:
Early-infantile DEE. Also called: Early infantile epileptic encephalopathy with suppression bursts; Early infantile epileptic encephalopathy; Ohtahara syndrome. Identifiers: Orphanet 1934, MedGen C0393706, MONDO:0800491.

Submission:

Labcorp Genetics (formerly Invitae), Labcorp
Classification: Uncertain significance for Early-infantile DEE. Last evaluated: 2025-02-04. Review status: criteria provided, single submitter. Criteria: Invitae Variant Classification Sherloc (09022015). Collection method: clinical testing. Allele origin: germline.
Comment: This sequence change falls in intron 6 of the KCNQ2 gene. It does not directly change the encoded amino acid sequence of the KCNQ2 protein. It affects a nucleotide within the consensus splice site. This variant is not present in population databases (gnomAD no frequency). This variant has not been reported in the literature in individuals affected with KCNQ2-related conditions. Variants that disrupt the consensus splice site are a relatively common cause of aberrant splicing (PMID: 17576681, 9536098). Algorithms developed to predict the effect of sequence changes on RNA splicing suggest that this variant may disrupt the consensus splice site. In summary, the available evidence is currently insufficient to determine the role of this variant in disease. Therefore, it has been classified as a Variant of Uncertain Significance.

Literature cited by the submitters: PubMed 17576681; PubMed 9536098.